The following is an entry in ClinVar:

NM_004656.4(BAP1):c.965A>G (p.Gln322Arg)

Gene: BAP1 (BRCA1 associated deubiquitinase 1; minus strand). Cytogenetic location: 3p21.1.
Variant type: single nucleotide variant.
Coding change: c.965A>G on transcript NM_004656.4 (MANE Select); coding-DNA position 965, A replaced by G.
Protein change: p.Gln322Arg; replaces glutamine 322 with arginine.
Molecular consequence: missense variant.
Genome position (GRCh38, 1-based): chr3:52,405,261, T>C on the plus strand (A>G on the coding strand, the complement: BAP1 is on the minus strand). VCF-style: chr3-52405261-T-C. GRCh37 (hg19) VCF-style: chr3-52439277-T-C.
Other names: c.911A>G, p.Gln304Arg (NM_001410772.1); short protein forms Q304R, Q322R.
Identifiers: ClinVar variation 5017061 (VCV005017061.1).
Genomic context (GRCh38, chr3:52,405,261, plus strand): 5'-CTGCTGCCTGGAGGCTTCACCACTAGCTTGGGTTTGTTGGGAGGGCTGTGGGATGGGGCT[T>C]GTGCGCATGAACCAGCCGCCTCCTCTGCACCATCTGAGACAGGGCAAGAACACAGGCAGG-3'
Protein context (NP_004647.1, residues 312-332): GAEEAAGSCA[Gln322Arg]APSHSPPNKP

ClinVar aggregate classification (germline): Uncertain significance (1 of 4 stars; one submission).

Submission:

GeneDx
Classification: Uncertain significance. Last evaluated: 2026-03-24. Review status: criteria provided, single submitter. Criteria: GeneDx Variant Classification Process June 2021. Collection method: clinical testing. Allele origin: germline.
Comment: Not observed at significant frequency in large population cohorts (gnomAD); In silico analysis suggests that this missense variant does not alter protein structure/function; Has not been previously published as pathogenic or benign to our knowledge